The following is an entry in ClinVar:

ClinVar aggregate classification (germline): Conflicting classifications of pathogenicity. Review status: criteria provided, conflicting classifications (1 of 4 stars). 3 submissions from 3 submitters: Uncertain significance (2); Likely benign (1). Last evaluated 2026-04-20.

Conditions:
Brittle cornea syndrome 2 (BCS2). Identifiers: Orphanet 90354, MedGen C3280011, MONDO:0013605, OMIM 614170.
Cardiovascular phenotype. Identifiers: MedGen CN230736.

gnomAD v4.1: 52 of 1,614,114 alleles (0.0032%); highest among the groups gnomAD compares: African/African-American, 0.037%; no homozygotes.

Submissions (3):

Ambry Genetics
Classification: Likely benign for Cardiovascular phenotype. Last evaluated: 2026-04-20. Review status: criteria provided, single submitter. Criteria: Ambry Variant Classification Scheme 2023. Collection method: clinical testing. Allele origin: germline.

Labcorp Genetics (formerly Invitae), Labcorp
Classification: Uncertain significance. Last evaluated: 2024-10-23. Review status: criteria provided, single submitter. Criteria: Invitae Variant Classification Sherloc (09022015). Collection method: clinical testing. Allele origin: germline.
Comment: This sequence change replaces isoleucine, which is neutral and non-polar, with valine, which is neutral and non-polar, at codon 113 of the PRDM5 protein (p.Ile113Val). This variant is present in population databases (rs564156631, gnomAD 0.05%). This variant has not been reported in the literature in individuals affected with PRDM5-related conditions. An algorithm developed to predict the effect of missense changes on protein structure and function (PolyPhen-2) suggests that this variant¬†is likely to be tolerated. In summary, the available evidence is currently insufficient to determine the role of this variant in disease. Therefore, it has been classified as a Variant of Uncertain Significance.

Fulgent Genetics
Classification: Uncertain significance for Brittle cornea syndrome 2. Last evaluated: 2024-02-17. Review status: criteria provided, single submitter. Criteria: ACMG Guidelines, 2015. Collection method: clinical testing. Allele origin: germline.

NM_018699.4(PRDM5):c.337A>G (p.Ile113Val)

Gene: PRDM5 (PR/SET domain 5; minus strand). Cytogenetic location: 4q27.
Variant type: single nucleotide variant.
Coding change: c.337A>G on transcript NM_018699.4 (MANE Select); coding-DNA position 337, A replaced by G.
Protein change: p.Ile113Val; replaces isoleucine 113 with valine.
Molecular consequence: missense variant.
Genome position (GRCh38, 1-based): chr4:120,821,309, T>C on the plus strand (A>G on the coding strand, the complement: PRDM5 is on the minus strand). VCF-style: chr4-120821309-T-C. GRCh37 (hg19) VCF-style: chr4-121742464-T-C.
Other names: c.337A>G, p.Ile113Val (NM_001300823.2, NM_001300824.2, NM_001379104.1 and 1 more transcripts); short protein forms I113V.
Identifiers: ClinVar variation 3424736 (VCV003424736.4).